The following is an entry in ClinVar:

ClinVar aggregate classification (germline): Likely benign (1 of 4 stars; one submission).

Submission:

CeGaT Center for Human Genetics Tuebingen
Classification: Likely benign. Last evaluated: 2025-11-01. Review status: criteria provided, single submitter. Criteria: CeGaT Center For Human Genetics Tuebingen Variant Classification Criteria Version 2. Collection method: clinical testing. Allele origin: germline. Affected: yes. Observed: 1 variant allele.
Comment: LILRA6: BP4, BP7; LILRB3: BP4, BP7

NM_024318.5(LILRA6):c.921G>A (p.Ser307=)

Genes: LILRA6 (leukocyte immunoglobulin like receptor A6; minus strand), LILRB3 (leukocyte immunoglobulin like receptor B3; minus strand). Cytogenetic location: 19q13.42.
Variant type: single nucleotide variant.
Coding change: c.921G>A on transcript NM_024318.5 (MANE Select); coding-DNA position 921, G replaced by A.
Protein change: p.Ser307=; no amino-acid change (serine 307 retained).
Molecular consequence: synonymous variant. On other transcripts: non-coding transcript variant (1).
Genome position (GRCh38, 1-based): chr19:54,240,865, C>T on the plus strand (G>A on the coding strand, the complement: LILRA6 is on the minus strand). VCF-style: chr19-54240865-C-T. GRCh37 (hg19) VCF-style: chr19-54744741-C-T.
Identifiers: ClinVar variation 4534175 (VCV004534175.6).